The following is an entry in ClinVar:

ClinVar aggregate classification (germline): Likely benign (1 of 4 stars; one submission).

Submission:

GeneDx
Classification: Likely benign. Last evaluated: 2016-03-03. Review status: criteria provided, single submitter. Criteria: GeneDx Variant Classification (06012015). Collection method: clinical testing. Allele origin: germline. Affected: yes.
Comment: This variant is considered likely benign or benign based on one or more of the following criteria: it is a conservative change, it occurs at a poorly conserved position in the protein, it is predicted to be benign by multiple in silico algorithms, and/or has population frequency not consistent with disease.

NM_001875.5(CPS1):c.127-20del

Gene: CPS1 (carbamoyl-phosphate synthase 1; plus strand). Cytogenetic location: 2q34.
Variant type: Deletion.
Coding change: c.127-20del on transcript NM_001875.5 (MANE Select); 20 bases into the intron before coding-DNA position 127, one base deleted (T; older notation c.127-20delT).
Molecular consequence: intron variant.
Genome position (GRCh38, 1-based): chr2:210,573,278, T deleted; the last of 2 consecutive T bases (chr2:210,573,277-210,573,278); deleting either gives the same sequence. VCF-style (leftmost placement, unchanged base first): chr2-210573276-AT-A. GRCh37 (hg19) VCF-style: chr2-211438000-AT-A.
Other names: c.127-20del (LRG_336t1, NM_001369257.1, NM_001122633.3); c.160-20del (NM_001369256.1); c.127-20delT (NM_001875.4).
Identifiers: ClinVar variation 420440 (VCV000420440.1), dbSNP rs1064794481, ClinGen allele CA16617421.